The following is an entry in ClinVar:

NM_004369.4(COL6A3):c.538G>T (p.Ala180Ser)

Gene: COL6A3 (collagen type VI alpha 3 chain; minus strand). Cytogenetic location: 2q37.3.
Variant type: single nucleotide variant.
Coding change: c.538G>T on transcript NM_004369.4 (MANE Select); coding-DNA position 538, G replaced by T.
Protein change: p.Ala180Ser; replaces alanine 180 with serine.
Molecular consequence: missense variant. On other transcripts: intron variant (4).
Genome position (GRCh38, 1-based): chr2:237,394,758, C>A on the plus strand (G>T on the coding strand, the complement: COL6A3 is on the minus strand). VCF-style: chr2-237394758-C-A. GRCh37 (hg19) VCF-style: chr2-238303401-C-A.
Other names: c.91+1969G>T (NM_057166.5, NM_057167.4, NM_057164.5 and 1 more transcripts); short protein forms A180S.
Identifiers: ClinVar variation 2121220 (VCV002121220.4), dbSNP rs753312576, ClinGen allele CA351226819.

ClinVar aggregate classification (germline): Uncertain significance (1 of 4 stars; one submission).

Conditions:
Bethlem myopathy 1A. Also called: MYOPATHY, BENIGN CONGENITAL, WITH CONTRACTURES; Bethlem myopathy 1; Bethlem Muscular Dystrophy. Identifiers: Orphanet 610, MedGen CN029274, MONDO:0024530, OMIM 158810.

Submission:

Labcorp Genetics (formerly Invitae), Labcorp
Classification: Uncertain significance for Bethlem myopathy 1A. Last evaluated: 2022-06-02. Review status: criteria provided, single submitter. Criteria: Invitae Variant Classification Sherloc (09022015). Collection method: clinical testing. Allele origin: germline.
Comment: This variant has not been reported in the literature in individuals affected with COL6A3-related conditions. In summary, the available evidence is currently insufficient to determine the role of this variant in disease. Therefore, it has been classified as a Variant of Uncertain Significance. Advanced modeling of protein sequence and biophysical properties (such as structural, functional, and spatial information, amino acid conservation, physicochemical variation, residue mobility, and thermodynamic stability) performed at Invitae indicates that this missense variant is not expected to disrupt COL6A3 protein function. This variant is not present in population databases (gnomAD no frequency). This sequence change replaces alanine, which is neutral and non-polar, with serine, which is neutral and polar, at codon 180 of the COL6A3 protein (p.Ala180Ser).